The following is an entry in ClinVar:

NM_001127208.3(TET2):c.2366A>C (p.Asn789Thr)

Genes: TET2 (tet methylcytosine dioxygenase 2; plus strand), TET2-AS1 (TET2 antisense RNA 1; minus strand). Cytogenetic location: 4q24.
Variant type: single nucleotide variant.
Coding change: c.2366A>C on transcript NM_001127208.3 (MANE Select); coding-DNA position 2366, A replaced by C.
Protein change: p.Asn789Thr; replaces asparagine 789 with threonine.
Molecular consequence: missense variant.
Genome position (GRCh38, 1-based): chr4:105,236,308, A>C. VCF-style: chr4-105236308-A-C. GRCh37 (hg19) VCF-style: chr4-106157465-A-C.
Other names: c.2366A>C, p.Asn789Thr (NM_017628.4); short protein forms N789T.
Identifiers: ClinVar variation 5030727 (VCV005030727.1).

ClinVar aggregate classification (germline): Uncertain significance (1 of 4 stars; one submission).

Submission:

Ambry Genetics
Classification: Uncertain significance. Last evaluated: 2026-08-02. Review status: criteria provided, single submitter. Criteria: Ambry Variant Classification Scheme 2023. Collection method: clinical testing. Allele origin: germline.
Comment: The p.N789T variant (also known as c.2366A>C), located in coding exon 1 of the TET2 gene, results from an A to C substitution at nucleotide position 2366. The asparagine at codon 789 is replaced by threonine, an amino acid with similar properties. This amino acid position is conserved. In addition, this alteration is predicted to be tolerated by in silico analysis. Based on the available evidence, the clinical significance of this variant remains unclear.